The following is an entry in ClinVar:

NM_001563.4(IMPG1):c.650C>T (p.Thr217Ile)

Gene: IMPG1 (interphotoreceptor matrix proteoglycan 1; minus strand). Cytogenetic location: 6q14.1.
Variant type: single nucleotide variant.
Coding change: c.650C>T on transcript NM_001563.4 (MANE Select); coding-DNA position 650, C replaced by T.
Protein change: p.Thr217Ile; replaces threonine 217 with isoleucine.
Molecular consequence: missense variant.
Genome position (GRCh38, 1-based): chr6:76,022,132, G>A on the plus strand (C>T on the coding strand, the complement: IMPG1 is on the minus strand). VCF-style: chr6-76022132-G-A. GRCh37 (hg19) VCF-style: chr6-76731849-G-A.
Other names: c.650C>T (NM_001563.3); c.416C>T, p.Thr139Ile (NM_001282368.2); short protein forms T139I, T217I.
Identifiers: ClinVar variation 1167072 (VCV001167072.12), dbSNP rs139704194, ClinGen allele CA3898405.
Genomic context (GRCh38, chr6:76,022,132, plus strand): 5'-AAACAGGCACATGAAGAGCTAGATCAACTCTAGGAACTTCTTACTGTTGTAGGCATCTTG[G>A]TGTCGTTGAGTGTATTATCGAGAATTTCATTGAGGAGGGTGTCATCAGGAGTGAGAGGGA-3'
Protein context (NP_001554.2, residues 207-227): NEILDNTLND[Thr217Ile]KMPTTERETE

ClinVar aggregate classification (germline): Benign. Review status: criteria provided, multiple submitters, no conflicts (2 of 4 stars). 3 submissions from 3 submitters: Benign (2). 1 of the submissions does not count toward it. Last evaluated 2026-02-01.

Conditions:
IMPG1-related disorder. Also called: IMPG1-related condition.
Retinal dystrophy. Also called: Inherited retinal dystrophy. Identifiers: Orphanet 71862, MedGen C0854723, MeSH D058499, MONDO:0019118, HP:0000556.

Allele frequency attached by ClinVar (database versions not stated): gnomAD 0.00041 and 0.00048; TOPMed 0.00063; ExAC 0.00114; gnomAD exomes 0.00134; 1000 Genomes Project 30x 0.00203; 1000 Genomes Project 0.00240.
gnomAD v4.1: 506 of 1,581,926 alleles (0.032%); highest among the groups gnomAD compares: East Asian, 1%; 8 homozygotes.

Submissions (3):

Labcorp Genetics (formerly Invitae), Labcorp
Classification: Benign. Last evaluated: 2026-02-01. Review status: criteria provided, single submitter. Criteria: Invitae Variant Classification Sherloc (09022015). Collection method: clinical testing. Allele origin: germline.

Dept Of Ophthalmology, Nagoya University
Classification: Benign for Retinal dystrophy. Last evaluated: 2023-10-01. Review status: criteria provided, single submitter. Criteria: Submitter's publication. Collection method: research. Allele origin: germline. Affected: yes.

PreventionGenetics, part of Exact Sciences
Classification: Benign for IMPG1-related condition. Last evaluated: 2019-08-02. Review status: no assertion criteria provided. Collection method: clinical testing. Allele origin: germline. Not counted in ClinVar's aggregate classification.
Comment: This variant is classified as benign based on ACMG/AMP sequence variant interpretation guidelines (Richards et al. 2015 PMID: 25741868, with internal and published modifications).